The following is an entry in ClinVar:

ClinVar aggregate classification (germline): Likely benign. Review status: criteria provided, single submitter (1 of 4 stars). 2 submissions from 2 submitters: Likely benign (1). 1 of the submissions does not count toward it. Last evaluated 2024-02-06.

Conditions:
IL10RB-related disorder. Also called: IL10RB-related condition.
Inflammatory bowel disease 25. Also called: Inflammatory bowel disease 25, early onset, autosomal recessive. Identifiers: Orphanet 238569, MedGen C2675508, MONDO:0012941, OMIM 612567.

Allele frequency attached by ClinVar (database versions not stated): TOPMed below 0.00001; ExAC 0.00001; gnomAD 0.00001; gnomAD exomes 0.00001.
gnomAD v4.1: 13 of 1,614,014 alleles (0.00081%); highest among the groups gnomAD compares: African/African-American, 0.0013%; no homozygotes.

Submissions (2):

Labcorp Genetics (formerly Invitae), Labcorp
Classification: Likely benign for Inflammatory bowel disease 25. Last evaluated: 2024-02-06. Review status: criteria provided, single submitter. Criteria: Invitae Variant Classification Sherloc (09022015). Collection method: clinical testing. Allele origin: germline.

PreventionGenetics, part of Exact Sciences
Classification: Likely benign for IL10RB-related condition. Last evaluated: 2023-01-17. Review status: no assertion criteria provided. Collection method: clinical testing. Allele origin: germline. Not counted in ClinVar's aggregate classification.
Comment: This variant is classified as likely benign based on ACMG/AMP sequence variant interpretation guidelines (Richards et al. 2015 PMID: 25741868, with internal and published modifications).

NM_000628.5(IL10RB):c.588T>C (p.Pro196=)

Genes: IL10RB (interleukin 10 receptor subunit beta; plus strand), IFNAR2-IL10RB (IFNAR2-IL10RB readthrough; plus strand). Cytogenetic location: 21q22.11.
Variant type: single nucleotide variant.
Coding change: c.588T>C on transcript NM_000628.5 (MANE Select); coding-DNA position 588, T replaced by C.
Protein change: p.Pro196=; no amino-acid change (proline 196 retained).
Molecular consequence: synonymous variant. On other transcripts: non-coding transcript variant (1).
Genome position (GRCh38, 1-based): chr21:33,283,183, T>C. VCF-style: chr21-33283183-T-C. GRCh37 (hg19) VCF-style: chr21-34655488-T-C.
Other names: c.1248T>C, p.Pro416= (NM_001414505.1); c.588T>C, p.Pro196= (NM_001405849.1, NM_001405850.1, NM_001406840.1).
Identifiers: ClinVar variation 3053660 (VCV003053660.4), dbSNP rs776206390, ClinGen allele CA10006170.
Genomic context (GRCh38, chr21:33,283,183, plus strand): 5'-GGTCCTCAGAAACCTGGAGCCATGGACAACTTATTGTGTTCAAGTTCGAGGGTTTCTTCC[T>C]GATCGGAACAAAGCTGGGGAATGGAGTGAGCCTGTCTGTGAGCAAACAACCCATGACGGT-3'
Protein context (NP_000619.3, residues 186-206): TYCVQVRGFL[Pro196=]DRNKAGEWSE